The following is an entry in ClinVar:

ClinVar aggregate classification (germline): Uncertain significance. Review status: criteria provided, multiple submitters, no conflicts (2 of 4 stars). 3 submissions from 3 submitters: Uncertain significance (3). Last evaluated 2025-01-05.

Conditions:
LRP2-related disorder. Also called: LRP2-related condition.

Allele frequency attached by ClinVar (database versions not stated): gnomAD 0.00001; TOPMed 0.00001; gnomAD exomes 0.00002 and 0.00003; ExAC 0.00004.
gnomAD v4.1: 33 of 1,613,332 alleles (0.002%); highest among the groups gnomAD compares: Middle Eastern, 0.033%; 1 homozygote.

Submissions (3):

PreventionGenetics, part of Exact Sciences
Classification: Uncertain significance for LRP2-related condition. Last evaluated: 2025-01-05. Review status: criteria provided, single submitter. Criteria: ACMG Guidelines, 2015. Collection method: clinical testing. Allele origin: germline.
Comment: The LRP2 c.187G>A variant is predicted to result in the amino acid substitution p.Ala63Thr. To our knowledge, this variant has not been reported in the literature. This variant is reported in 0.0098% of alleles in individuals of South Asian descent in gnomAD. At this time, the clinical significance of this variant is uncertain due to the absence of conclusive functional and genetic evidence.

Blueprint Genetics
Classification: Uncertain significance. Last evaluated: 2024-03-05. Review status: criteria provided, single submitter. Criteria: ACMG Guidelines, 2015. Collection method: clinical testing. Allele origin: germline.

Labcorp Genetics (formerly Invitae), Labcorp
Classification: Uncertain significance. Last evaluated: 2022-08-16. Review status: criteria provided, single submitter. Criteria: Invitae Variant Classification Sherloc (09022015). Collection method: clinical testing. Allele origin: germline.
Comment: This sequence change affects codon 63 of the LRP2 mRNA. It is a 'silent' change, meaning that it does not change the encoded amino acid sequence of the LRP2 protein. This variant also falls at the last nucleotide of exon 2, which is part of the consensus splice site for this exon. This variant is present in population databases (rs759579869, gnomAD 0.01%), including at least one homozygous and/or hemizygous individual. This variant has not been reported in the literature in individuals affected with LRP2-related conditions. ClinVar contains an entry for this variant (Variation ID: 1449024). Algorithms developed to predict the effect of missense changes on protein structure and function (SIFT, PolyPhen-2, Align-GVGD) all suggest that this variant is likely to be tolerated. Variants that disrupt the consensus splice site are a relatively common cause of aberrant splicing (PMID: 17576681, 9536098). Algorithms developed to predict the effect of sequence changes on RNA splicing suggest that this variant may disrupt the consensus splice site. In summary, the available evidence is currently insufficient to determine the role of this variant in disease. Therefore, it has been classified as a Variant of Uncertain Significance.

Literature cited by the submitters: PubMed 17576681 (cited by Labcorp Genetics (formerly Invitae), Labcorp); PubMed 9536098 (cited by Labcorp Genetics (formerly Invitae), Labcorp).

NM_004525.3(LRP2):c.187G>A (p.Ala63Thr)

Gene: LRP2 (LDL receptor related protein 2; minus strand). Cytogenetic location: 2q31.1.
Variant type: single nucleotide variant.
Coding change: c.187G>A on transcript NM_004525.3 (MANE Select); coding-DNA position 187, G replaced by A.
Protein change: p.Ala63Thr; replaces alanine 63 with threonine.
Molecular consequence: missense variant.
Genome position (GRCh38, 1-based): chr2:169,320,777, C>T on the plus strand (G>A on the coding strand, the complement: LRP2 is on the minus strand). VCF-style: chr2-169320777-C-T. GRCh37 (hg19) VCF-style: chr2-170177287-C-T.
Other names: c.187G>A (NM_004525.2); short protein forms A63T.
Identifiers: ClinVar variation 1449024 (VCV001449024.5), dbSNP rs759579869, ClinGen allele CA1955976.